The following is an entry in ClinVar:

ClinVar aggregate classification (germline): Uncertain significance. Review status: criteria provided, multiple submitters, no conflicts (2 of 4 stars). 3 submissions from 3 submitters: Uncertain significance (3). Last evaluated 2024-01-23.

Conditions:
Eichsfeld type congenital muscular dystrophy (CMYO3). Also called: Rigid spine muscular dystrophy 1; MYOPATHY, SEPN1-RELATED; SELENON-related myopathy; Congenital myopathy 3 with rigid spine. Identifiers: MedGen C0410180, MONDO:0100100, OMIM 602771.
Inborn genetic diseases. Identifiers: MedGen C0950123, MeSH D030342.

Allele frequency attached by ClinVar (database versions not stated): gnomAD 0.00007 and 0.00008; ESP Exome Variant Server 0.00008; TOPMed 0.00017.

Submissions (3):

Ambry Genetics
Classification: Uncertain significance for Inborn genetic diseases. Last evaluated: 2024-01-23. Review status: criteria provided, single submitter. Criteria: Ambry Variant Classification Scheme 2023. Collection method: clinical testing. Allele origin: germline.

Labcorp Genetics (formerly Invitae), Labcorp
Classification: Uncertain significance for Eichsfeld type congenital muscular dystrophy. Last evaluated: 2022-10-25. Review status: criteria provided, single submitter. Criteria: Invitae Variant Classification Sherloc (09022015). Collection method: clinical testing. Allele origin: germline.
Comment: This sequence change replaces glutamic acid, which is acidic and polar, with lysine, which is basic and polar, at codon 153 of the SELENON protein (p.Glu153Lys). This variant is present in population databases (rs374512346, gnomAD 0.03%). This variant has not been reported in the literature in individuals affected with SELENON-related conditions. ClinVar contains an entry for this variant (Variation ID: 650863). Advanced modeling of protein sequence and biophysical properties (such as structural, functional, and spatial information, amino acid conservation, physicochemical variation, residue mobility, and thermodynamic stability) performed at Invitae indicates that this missense variant is not expected to disrupt SELENON protein function. In summary, the available evidence is currently insufficient to determine the role of this variant in disease. Therefore, it has been classified as a Variant of Uncertain Significance.

GeneDx
Classification: Uncertain significance. Last evaluated: 2020-07-14. Review status: criteria provided, single submitter. Criteria: GeneDx Variant Classification Process June 2021. Collection method: clinical testing. Allele origin: germline. Affected: yes.
Comment: In silico analysis supports that this missense variant does not alter protein structure/function; Has not been previously published as pathogenic or benign to our knowledge

NM_206926.2(SELENON):c.355G>A (p.Glu119Lys)

Gene: SELENON (selenoprotein N; plus strand). Cytogenetic location: 1p36.11.
Variant type: single nucleotide variant.
Coding change: c.355G>A on transcript NM_206926.2 (MANE Select); coding-DNA position 355, G replaced by A.
Protein change: p.Glu119Lys; replaces glutamic acid 119 with lysine.
Molecular consequence: missense variant.
Genome position (GRCh38, 1-based): chr1:25,805,195, G>A. VCF-style: chr1-25805195-G-A. GRCh37 (hg19) VCF-style: chr1-26131686-G-A.
Other names: c.457G>A, p.Glu153Lys (NM_020451.3); short protein forms E119K, E153K.
Identifiers: ClinVar variation 650863 (VCV000650863.12), dbSNP rs374512346, ClinGen allele CA696505.
Genomic context (GRCh38, chr1:25,805,195, plus strand): 5'-CTCATAGGGTCAACTCCCGCGGCCAGCTGCGAGGAGGAGGAGTTGCCCCCTGACCCTAGC[G>A]AGGAGACGCTCACCATAGAAGCCCGATTCCAGCCTCTGCTCCCGGAGACCATGACCAAGA-3'
Protein context (NP_996809.1, residues 109-129): EEEELPPDPS[Glu119Lys]ETLTIEARFQ